The following is an entry in ClinVar:

NM_000492.4(CFTR):c.4433C>A (p.Thr1478Lys)

Genes: CFTR (CF transmembrane conductance regulator; plus strand), LOC111674477 (CFTR intron 23 enhancer; plus strand). Cytogenetic location: 7q31.2.
Variant type: single nucleotide variant.
Coding change: c.4433C>A on transcript NM_000492.4 (MANE Select); coding-DNA position 4433, C replaced by A.
Protein change: p.Thr1478Lys; replaces threonine 1478 with lysine.
Molecular consequence: missense variant.
Genome position (GRCh38, 1-based): chr7:117,667,098, C>A. VCF-style: chr7-117667098-C-A. GRCh37 (hg19) VCF-style: chr7-117307152-C-A.
Other names: short protein forms T1478K.
Identifiers: ClinVar variation 1740572 (VCV001740572.2), dbSNP rs753173837, ClinGen allele CA368985419.

ClinVar aggregate classification (germline): Uncertain significance (1 of 4 stars; one submission).

Conditions:
Cystic fibrosis (CF). Also called: MUCOVISCIDOSIS. Identifiers: Orphanet 586, MedGen C0010674, MONDO:0009061, OMIM 219700. Disease mechanism: loss of function.

gnomAD v4.1: 1 of 1,613,762 alleles (0.000062%); highest among the groups gnomAD compares: Non-Finnish European, 0.000085%; no homozygotes.

Submission:

Ambry Genetics
Classification: Uncertain significance for Cystic fibrosis. Last evaluated: 2022-02-07. Review status: criteria provided, single submitter. Criteria: Ambry Variant Classification Scheme 2023. Collection method: clinical testing. Allele origin: germline.
Comment: The p.T1478K variant (also known as c.4433C>A), located in coding exon 27 of the CFTR gene, results from a C to A substitution at nucleotide position 4433. The threonine at codon 1478 is replaced by lysine, an amino acid with similar properties. This amino acid position is highly conserved in available vertebrate species. In addition, this alteration is predicted to be deleterious by in silico analysis. Since supporting evidence is limited at this time, the clinical significance of this alteration remains unclear.